The following is an entry in ClinVar:

NM_002351.5(SH2D1A):c.*862T>A

Gene: SH2D1A (SH2 domain containing 1A; plus strand). Cytogenetic location: Xq25.
Variant type: single nucleotide variant.
Coding change: c.*862T>A on transcript NM_002351.5 (MANE Select); 862 bases downstream of the stop codon, T replaced by A.
Molecular consequence: 3 prime UTR variant.
Genome position (GRCh38, 1-based): chrX:124,372,253, T>A. VCF-style: chrX-124372253-T-A. GRCh37 (hg19) VCF-style: chrX-123506103-T-A.
Other names: c.*862T>A (NM_001114937.3).
Identifiers: ClinVar variation 367881 (VCV000367881.29), dbSNP rs774701387, ClinGen allele CA10645918.

ClinVar aggregate classification (germline): Conflicting classifications of pathogenicity. Review status: criteria provided, conflicting classifications (1 of 4 stars). 2 submissions from 2 submitters: Uncertain significance (1); Likely benign (1). Last evaluated 2023-02-01.

Conditions:
X-linked lymphoproliferative disease due to SH2D1A deficiency (XLP1). Also called: PURTILO SYNDROME; SH2D1A-Related Lymphoproliferative Disease, X-Linked; EBV infection severe susceptibility to; Epstein Barr virus infection familial fatal; Duncan's syndrome; DUNCAN DISEASE. Identifiers: Orphanet 2442, Orphanet 538931, MedGen C5399825, MONDO:0024551, OMIM 308240.

Allele frequency attached by ClinVar (database versions not stated): 1000 Genomes Project 0.00026; 1000 Genomes Project 30x 0.00042; gnomAD 0.00127 and 0.00130; TOPMed 0.00130; gnomAD exomes 0.00181.
gnomAD v4.1: 243 of 164,823 alleles (0.15%); highest among the groups gnomAD compares: Non-Finnish European, 0.25%; 1 homozygote.

Submissions (2):

CeGaT Center for Human Genetics Tuebingen
Classification: Likely benign. Last evaluated: 2023-02-01. Review status: criteria provided, single submitter. Criteria: CeGaT Center For Human Genetics Tuebingen Variant Classification Criteria Version 2. Collection method: clinical testing. Allele origin: germline. Affected: yes. Observed: 2 variant alleles.
Comment: SH2D1A: BS2

Illumina Laboratory Services, Illumina
Classification: Uncertain significance for X-linked lymphoproliferative disease due to SH2D1A deficiency. Last evaluated: 2018-01-13. Review status: criteria provided, single submitter. Criteria: ICSL Variant Classification Criteria 13 December 2019. Collection method: clinical testing. Allele origin: germline.